The following is an entry in ClinVar:

NM_002133.3(HMOX1):c.57_60dup (p.Thr21fs)

Gene: HMOX1 (heme oxygenase 1; plus strand). Cytogenetic location: 22q12.3.
Variant type: Duplication.
Coding change: c.57_60dup on transcript NM_002133.3 (MANE Select); coding-DNA positions 57 to 60, 4 bases duplicated (GGCC; older notation c.57_60dupGGCC).
Protein change: p.Thr21fs; shifts the reading frame from threonine 21.
Molecular consequence: frameshift variant.
Genome position (GRCh38, 1-based): chr22:35,383,139-35,383,142, GGCC duplicated. VCF-style (leftmost placement, unchanged base first): chr22-35383138-A-AGGCC. GRCh37 (hg19) VCF-style: chr22-35779131-A-AGGCC.
Other names: short protein forms T21fs.
Identifiers: ClinVar variation 2824188 (VCV002824188.3), dbSNP rs1931421939, ClinGen allele CA2403373653.

ClinVar aggregate classification (germline): Pathogenic (1 of 4 stars; one submission).

Allele frequency attached by ClinVar (database versions not stated): TOPMed below 0.00001.

Submission:

Labcorp Genetics (formerly Invitae), Labcorp
Classification: Pathogenic. Last evaluated: 2022-12-25. Review status: criteria provided, single submitter. Criteria: Invitae Variant Classification Sherloc (09022015). Collection method: clinical testing. Allele origin: germline.
Comment: This sequence change creates a premature translational stop signal (p.Thr21Glyfs*13) in the HMOX1 gene. It is expected to result in an absent or disrupted protein product. Loss-of-function variants in HMOX1 are known to be pathogenic (PMID: 9884342, 21088618). This variant is not present in population databases (gnomAD no frequency). This variant has not been reported in the literature in individuals affected with HMOX1-related conditions. For these reasons, this variant has been classified as Pathogenic.

Literature cited by the submitters: PubMed 9884342; PubMed 21088618.